The following is an entry in ClinVar:

ClinVar aggregate classification (germline): Pathogenic (1 of 4 stars; one submission).

Conditions:
Osteogenesis imperfecta type 7 (OI7). Also called: OSTEOGENESIS IMPERFECTA, TYPE IIB; Osteogenesis imperfecta type 2B; OI type 2B; Osteogenesis imperfecta, perinatal lethal autosomal recessive; OI type IIB; OI type 7. Identifiers: MedGen C1853162, MONDO:0012536, OMIM 610682.

Submission:

Labcorp Genetics (formerly Invitae), Labcorp
Classification: Pathogenic for Osteogenesis imperfecta type 7. Last evaluated: 2023-04-07. Review status: criteria provided, single submitter. Criteria: Invitae Variant Classification Sherloc (09022015). Collection method: clinical testing. Allele origin: germline.
Comment: This variant has not been reported in the literature in individuals affected with CRTAP-related conditions. For these reasons, this variant has been classified as Pathogenic. This variant is not present in population databases (gnomAD no frequency). This sequence change creates a premature translational stop signal (p.Cys19*) in the CRTAP gene. It is expected to result in an absent or disrupted protein product. Loss-of-function variants in CRTAP are known to be pathogenic (PMID: 17055431, 19862557, 24715559).

Literature cited by the submitters: PubMed 17055431; PubMed 19862557; PubMed 24715559.

NM_006371.5(CRTAP):c.57C>A (p.Cys19Ter)

Genes: CRTAP (cartilage associated protein; plus strand), LOC129936436 (ATAC-STARR-seq lymphoblastoid silent region 14183; plus strand). Cytogenetic location: 3p22.3.
Variant type: single nucleotide variant.
Coding change: c.57C>A on transcript NM_006371.5 (MANE Select); coding-DNA position 57, C replaced by A.
Protein change: p.Cys19Ter; replaces cysteine 19 with a stop codon.
Molecular consequence: nonsense.
Genome position (GRCh38, 1-based): chr3:33,114,134, C>A. VCF-style: chr3-33114134-C-A. GRCh37 (hg19) VCF-style: chr3-33155626-C-A.
Other names: c.57C>A, p.Cys19Ter (NM_001393363.1, NM_001393364.1, NM_001393365.1); short protein forms C19*.
Identifiers: ClinVar variation 2853470 (VCV002853470.3), dbSNP rs2471560885, ClinGen allele CA352008070.